The following is an entry in ClinVar:

NM_000836.4(GRIN2D):c.459G>T (p.Thr153=)

Genes: GRIN2D (glutamate ionotropic receptor NMDA type subunit 2D; plus strand), LOC130064856 (ATAC-STARR-seq lymphoblastoid silent region 10880; plus strand). Cytogenetic location: 19q13.33.
Variant type: single nucleotide variant.
Coding change: c.459G>T on transcript NM_000836.4 (MANE Select); coding-DNA position 459, G replaced by T.
Protein change: p.Thr153=; no amino-acid change (threonine 153 retained).
Molecular consequence: synonymous variant.
Genome position (GRCh38, 1-based): chr19:48,398,851, G>T. VCF-style: chr19-48398851-G-T. GRCh37 (hg19) VCF-style: chr19-48902108-G-T.
Identifiers: ClinVar variation 3389301 (VCV003389301.14).

ClinVar aggregate classification (germline): Likely benign (1 of 4 stars; one submission).

gnomAD v4.1: 2 of 1,312,178 alleles (0.00015%); highest among the groups gnomAD compares: Middle Eastern, 0.029%; no homozygotes.

Submission:

CeGaT Center for Human Genetics Tuebingen
Classification: Likely benign. Last evaluated: 2024-11-01. Review status: criteria provided, single submitter. Criteria: CeGaT Center For Human Genetics Tuebingen Variant Classification Criteria Version 2. Collection method: clinical testing. Allele origin: germline. Affected: yes. Observed: 1 variant allele.
Comment: GRIN2D: BP4, BP7